The following is an entry in ClinVar:

ClinVar aggregate classification (germline): Likely benign (1 of 4 stars; one submission).

gnomAD v4.1: 26 of 1,613,736 alleles (0.0016%); highest among the groups gnomAD compares: Middle Eastern, 0.016%; no homozygotes.

Submission:

CeGaT Center for Human Genetics Tuebingen
Classification: Likely benign. Last evaluated: 2025-03-01. Review status: criteria provided, single submitter. Criteria: CeGaT Center For Human Genetics Tuebingen Variant Classification Criteria Version 2. Collection method: clinical testing. Allele origin: germline. Affected: yes. Observed: 1 variant allele.
Comment: CDC42BPB: BP4

NM_006035.4(CDC42BPB):c.1579C>T (p.Arg527Trp)

Gene: CDC42BPB (CDC42 binding protein kinase beta; minus strand). Cytogenetic location: 14q32.32.
Variant type: single nucleotide variant.
Coding change: c.1579C>T on transcript NM_006035.4 (MANE Select); coding-DNA position 1579, C replaced by T.
Protein change: p.Arg527Trp; replaces arginine 527 with tryptophan.
Molecular consequence: missense variant.
Genome position (GRCh38, 1-based): chr14:102,974,078, G>A on the plus strand (C>T on the coding strand, the complement: CDC42BPB is on the minus strand). VCF-style: chr14-102974078-G-A. GRCh37 (hg19) VCF-style: chr14-103440415-G-A.
Other names: c.1579C>T, p.Arg527Trp (NM_001411054.1); short protein forms R527W.
Identifiers: ClinVar variation 3777910 (VCV003777910.7).